The following is an entry in ClinVar:

ClinVar aggregate classification (germline): Uncertain significance (1 of 4 stars; one submission).

Conditions:
Neurodevelopmental disorder with regression, abnormal movements, loss of speech, and seizures. Identifiers: Orphanet 597623, MedGen C4748127, MONDO:0060759, OMIM 618088.

Allele frequency attached by ClinVar (database versions not stated): TOPMed 0.00001.

Submission:

Victorian Clinical Genetics Services, Murdoch Childrens Research Institute
Classification: Uncertain significance for Neurodevelopmental disorder with regression, abnormal movements, loss of speech, and seizures. Last evaluated: 2021-05-06. Review status: criteria provided, single submitter. Criteria: ACMG Guidelines, 2015. Collection method: clinical testing. Allele origin: germline. Inheritance: Autosomal dominant inheritance. Affected: yes.
Comment: Based on the classification scheme VCGS_Germline_v1.3.4, this variant is classified as VUS-3C. Following criteria are met: 0102 - Loss of function is a known mechanism of disease in this gene and is associated with neurodevelopmental disorder with regression, abnormal movements, loss of speech, and seizures (MIM#618088). (I) 0107 - This gene is associated with autosomal dominant disease. (I) 0200 - Variant is predicted to result in a missense amino acid change from glutamine to histidine. (I) 0251 - This variant is heterozygous. (I) 0301 - Variant is absent from gnomAD (both v2 and v3). (SP) 0309 - Multiple alternative amino acid changes at the same position have been observed in gnomAD (highest allele count v2: 1 heterozygote, 0 homozygotes). (I) 0503 - Missense variant consistently predicted to be tolerated by multiple in silico tools or not conserved in placental mammals with a minor amino acid change. (SB) 0604 - Variant is not located in an established domain, motif, hotspot or informative constraint region. (I) 0705 - No comparable missense variants have previous evidence for pathogenicity. (I) 0807 - This variant has no previous evidence of pathogenicity. (I) 0905 - No published segregation evidence has been identified for this variant. (I) 1007 - No published functional evidence has been identified for this variant. (I) 1208 - Inheritance information for this variant is not currently available in this individual. (I) Legend: (SP) - Supporting pathogenic, (I) - Information, (SB) - Supporting benign

NM_024496.4(IRF2BPL):c.1704G>C (p.Gln568His)

Gene: IRF2BPL (interferon regulatory factor 2 binding protein like; minus strand). Cytogenetic location: 14q24.3.
Variant type: single nucleotide variant.
Coding change: c.1704G>C on transcript NM_024496.4 (MANE Select); coding-DNA position 1704, G replaced by C.
Protein change: p.Gln568His; replaces glutamine 568 with histidine.
Molecular consequence: missense variant.
Genome position (GRCh38, 1-based): chr14:77,026,089, C>G on the plus strand (G>C on the coding strand, the complement: IRF2BPL is on the minus strand). VCF-style: chr14-77026089-C-G. GRCh37 (hg19) VCF-style: chr14-77492432-C-G.
Other names: short protein forms Q568H.
Identifiers: ClinVar variation 1806355 (VCV001806355.1), dbSNP rs1338635149, ClinGen allele CA390492375.